The following is an entry in ClinVar:

ClinVar aggregate classification (germline): Likely benign (1 of 4 stars; one submission).

Allele frequency attached by ClinVar (database versions not stated): gnomAD exomes 0.00005; TOPMed 0.00006; gnomAD 0.00008.
gnomAD v4.1: 19 of 295,121 alleles (0.0064%); highest among the groups gnomAD compares: Non-Finnish European, 0.0088%; no homozygotes.

Submission:

CeGaT Center for Human Genetics Tuebingen
Classification: Likely benign. Last evaluated: 2023-11-01. Review status: criteria provided, single submitter. Criteria: CeGaT Center For Human Genetics Tuebingen Variant Classification Criteria Version 2. Collection method: clinical testing. Allele origin: germline. Affected: yes. Observed: 1 variant allele.
Comment: DDX3X: PP2, BS2

NM_001356.5(DDX3X):c.152-681A>G

Gene: DDX3X (DEAD-box helicase 3 X-linked; plus strand). Cytogenetic location: Xp11.4.
Variant type: single nucleotide variant.
Coding change: c.152-681A>G on transcript NM_001356.5 (MANE Select); 681 bases into the intron before coding-DNA position 152, A replaced by G.
Molecular consequence: intron variant.
Genome position (GRCh38, 1-based): chrX:41,340,803, A>G. VCF-style: chrX-41340803-A-G. GRCh37 (hg19) VCF-style: chrX-41200056-A-G.
Other names: c.152-681A>G (NM_001193416.3); c.104-681A>G (NM_001193417.3); c.-407-681A>G (NM_001363819.1).
Identifiers: ClinVar variation 2673225 (VCV002673225.23), dbSNP rs929973894, ClinGen allele CA329018245.
Genomic context (GRCh38, chrX:41,340,803, plus strand): 5'-ATTAAACCAAGTAATCTGACAGTCTATGAATGTTCTAAATGAATACCACCTCCAAGAAAC[A>G]TGGAAACAATGGTAACTGTTTTTCCTAGTAAACTCATTCACACCTATAAAATGAATGGAA-3'